The following is an entry in ClinVar:

NM_004006.3(DMD):c.433C>T (p.Arg145Ter)

Gene: DMD (dystrophin; minus strand). Cytogenetic location: Xp21.1.
Variant type: single nucleotide variant.
Coding change: c.433C>T on transcript NM_004006.3 (MANE Select); coding-DNA position 433, C replaced by T.
Protein change: p.Arg145Ter; replaces arginine 145 with a stop codon.
Molecular consequence: nonsense.
Genome position (GRCh38, 1-based): chrX:32,816,565, G>A on the plus strand (C>T on the coding strand, the complement: DMD is on the minus strand). VCF-style: chrX-32816565-G-A. GRCh37 (hg19) VCF-style: chrX-32834682-G-A.
Other names: NP_003997.1:p.Arg145*; c.409C>T, p.Arg137Ter (NM_000109.4); c.421C>T, p.Arg141Ter (NM_004009.3); c.64C>T, p.Arg22Ter (NM_004010.3); short protein forms R145*, R137*, R22*, R141*.
Identifiers: ClinVar variation 11225 (VCV000011225.59), dbSNP rs128626235, ClinGen allele CA273103.

ClinVar aggregate classification (germline): Pathogenic. Review status: criteria provided, multiple submitters, no conflicts (2 of 4 stars). 13 submissions from 13 submitters: Pathogenic (12). 1 of the submissions does not count toward it. Last evaluated 2026-09-01.

Conditions:
Becker muscular dystrophy, Cardiomyopathy, Duchenne muscular dystrophy, Dystrophin deficiency.
DMD-related disorder. Also called: DMD-related condition.
Becker muscular dystrophy (BMD). Also called: MUSCULAR DYSTROPHY, PSEUDOHYPERTROPHIC PROGRESSIVE, BECKER TYPE; Becker Muscular Dystrophy (BMD). Identifiers: Orphanet 98895, MedGen C0917713, MONDO:0010311, OMIM 300376.
Duchenne muscular dystrophy (DMD). Also called: MUSCULAR DYSTROPHY, PSEUDOHYPERTROPHIC PROGRESSIVE, DUCHENNE TYPE; Duchenne Muscular Dystrophy (DMD). Identifiers: Orphanet 98896, MedGen C0013264, MONDO:0010679, OMIM 310200.
Dilated cardiomyopathy 3B (CMD3B). Also called: CMD3B: DMD-Related Dilated Cardiomyopathy; CARDIOMYOPATHY, DILATED, X-LINKED; DMD-Associated Dilated Cardiomyopathy. Identifiers: Orphanet 154, MedGen C3668940, MONDO:0010542, OMIM 302045.
Neuromuscular disease caused by qualitative or quantitative defects of dystrophin. Also called: Qualitative or quantitative defects of dystrophin. Identifiers: Orphanet 207085, MedGen C5679787, MONDO:0016147.

Submissions (13):

GeneDx
Classification: Pathogenic. Last evaluated: 2026-09-01. Review status: criteria provided, single submitter. Criteria: GeneDx Variant Classification Process June 2021. Collection method: clinical testing. Allele origin: germline.
Comment: Not observed at significant frequency in large population cohorts (gnomAD); Nonsense variant predicted to result in protein truncation or nonsense mediated decay in a gene for which loss of function is a known mechanism of disease; Based on the understanding of this genetic alteration, it may be amenable to nonsense read-through therapy that is currently available or in clinical trial; This variant is associated with the following publications: (PMID: 15351422, 14695533, 20098710, 25525159, 7951253, 17339110, 17259292, 17253928, 7849724, 28116794, 21515508, 23536893, 19937601, 20485447, 31081998, 33773883, 34297739)

Women's Health and Genetics/Laboratory Corporation of America, LabCorp
Classification: Pathogenic for Neuromuscular disease caused by qualitative or quantitative defects of dystrophin. Last evaluated: 2026-03-11. Review status: criteria provided, single submitter. Criteria: LabCorp Variant Classification Summary - May 2015. Collection method: clinical testing. Allele origin: germline.
Comment: Variant summary: DMD c.433C>T (p.Arg145X) results in a premature termination codon, predicted to cause a truncation of the encoded protein or absence of the protein due to nonsense mediated decay, which are commonly known mechanisms for disease. The variant was absent in 183426 control chromosomes. c.433C>T has been observed in individual(s) affected with Dystrophinopathies (e.g. Roberts_1994). To our knowledge, no experimental evidence demonstrating an impact on protein function has been reported. The following publication have been ascertained in the context of this evaluation (PMID: 7951253). ClinVar contains an entry for this variant (Variation ID: 11225). Based on the evidence outlined above, the variant was classified as pathogenic.

Natera, Inc.
Classification: Pathogenic for Becker muscular dystrophy, Cardiomyopathy, Duchenne muscular dystrophy, Dystrophin deficiency. Last evaluated: 2026-01-26. Review status: criteria provided, single submitter. Criteria: Natera Variant Classification Schema (03/2026). Collection method: clinical testing. Allele origin: germline.
Comment: The c.433C>T variant in DMD is a nonsense variant predicted to introduce a stop codon at amino acid 145. This variant is expected to result in nonsense mediated decay, truncation, or a dysfunctional protein product. This variant is rare in the general population with a frequency below the threshold expected for the associated phenotype(s). This variant has been observed in affected individual(s) with monoallelic occurrence (heterozygous/hemizygous) (PMID: 31081998). Given the available evidence, this variant is classified as Pathogenic.

Labcorp Genetics (formerly Invitae), Labcorp
Classification: Pathogenic for Duchenne muscular dystrophy. Last evaluated: 2025-10-01. Review status: criteria provided, single submitter. Criteria: Invitae Variant Classification Sherloc (09022015). Collection method: clinical testing. Allele origin: germline.
Comment: This sequence change creates a premature translational stop signal (p.Arg145*) in the DMD gene. It is expected to result in an absent or disrupted protein product. Loss-of-function variants in DMD are known to be pathogenic (PMID: 16770791, 25007885). This variant is not present in population databases (gnomAD no frequency). This premature translational stop signal has been observed in individuals with DMD-related muscular dystrophy (PMID: 7951253, 20098710, 21515508, 23536893). Invitae Evidence Modeling of clinical and family history, age, sex, and reported ancestry of multiple individuals with this DMD variant has been performed. This variant is expected to be pathogenic with a positive predictive value of at least 99%. This is a validated machine learning model that incorporates the clinical features of 600,801 individuals referred to our laboratory for DMD testing. This variant is also known as c.641C>T. ClinVar contains an entry for this variant (Variation ID: 11225). Algorithms developed to predict the effect of sequence changes on RNA splicing suggest that this variant may disrupt the consensus splice site. For these reasons, this variant has been classified as Pathogenic.

Fulgent Genetics
Classification: Pathogenic for Becker muscular dystrophy; Dilated cardiomyopathy 3B; Duchenne muscular dystrophy. Last evaluated: 2024-03-07. Review status: criteria provided, single submitter. Criteria: ACMG Guidelines, 2015. Collection method: clinical testing. Allele origin: germline.

Blueprint Genetics
Classification: Pathogenic for DMD-related disorders. Last evaluated: 2023-07-24. Review status: criteria provided, single submitter. Criteria: ACMG Guidelines, 2015. Collection method: clinical testing. Allele origin: germline. Affected: yes. Observed: 1 variant allele.

Laboratory of Medical Genetics, National & Kapodistrian University of Athens
Classification: Pathogenic for Duchenne muscular dystrophy. Last evaluated: 2022-12-16. Review status: criteria provided, single submitter. Criteria: ACMG Guidelines, 2015. Collection method: clinical testing. Allele origin: germline. Affected: yes.
Comment: PVS1, PM2, PP5

CeGaT Center for Human Genetics Tuebingen
Classification: Pathogenic. Last evaluated: 2022-11-01. Review status: criteria provided, single submitter. Criteria: CeGaT Center For Human Genetics Tuebingen Variant Classification Criteria Version 2. Collection method: clinical testing. Allele origin: germline. Affected: yes. Observed: 1 variant allele.
Comment: DMD: PVS1, PM2, PS4:Moderate, PP4

Revvity Omics, Revvity
Classification: Pathogenic. Last evaluated: 2022-05-18. Review status: criteria provided, single submitter. Criteria: ACMG Guidelines, 2015. Collection method: clinical testing. Allele origin: germline.

Mendelics
Classification: Pathogenic for Duchenne muscular dystrophy. Last evaluated: 2019-05-28. Review status: criteria provided, single submitter. Criteria: Mendelics Assertion Criteria 2017. Collection method: clinical testing. Allele origin: unknown.

Athena Diagnostics
Classification: Pathogenic. Last evaluated: 2018-09-24. Review status: criteria provided, single submitter. Criteria: Athena Diagnostics Criteria. Collection method: clinical testing. Allele origin: unknown.
Comment: This variant is expected to result in the loss of a functional protein. This variant has not been reported in large, multi-ethnic general populations. This variant has been identified in at least one individual with clinical features associated with this gene.

Eurofins Ntd Llc (ga)
Classification: Pathogenic. Last evaluated: 2016-05-19. Review status: criteria provided, single submitter. Criteria: EGL Classification Definitions 2015. Collection method: clinical testing. Allele origin: germline. Observed: 5 variant alleles, 1 heterozygote, 4 hemizygotes.

OMIM
Classification: Pathogenic for DUCHENNE MUSCULAR DYSTROPHY. Last evaluated: 1994-01-01. Review status: no assertion criteria provided. Collection method: literature only. Allele origin: germline. Not counted in ClinVar's aggregate classification.

Literature cited by the submitters: PubMed 7951253 (cited by 4 submitters); PubMed 31081998 (cited by Natera, Inc.); PubMed 16770791 (cited by Labcorp Genetics (formerly Invitae), Labcorp); PubMed 25007885 (cited by Labcorp Genetics (formerly Invitae), Labcorp); PubMed 20098710 (cited by Labcorp Genetics (formerly Invitae), Labcorp); PubMed 21515508 (cited by Labcorp Genetics (formerly Invitae), Labcorp and Athena Diagnostics); PubMed 23536893 (cited by Labcorp Genetics (formerly Invitae), Labcorp and Athena Diagnostics); PubMed 33101180 (cited by Laboratory of Medical Genetics, National & Kapodistrian University of Athens); PubMed 33644936 (cited by Laboratory of Medical Genetics, National & Kapodistrian University of Athens); PubMed 20485447 (cited by Athena Diagnostics); PubMed 17435279 (cited by Athena Diagnostics); PubMed 19937601 (cited by Athena Diagnostics); PubMed 29973226 (cited by Athena Diagnostics); PubMed 19959795 (cited by Athena Diagnostics); PubMed 17253928 (cited by Athena Diagnostics); PubMed 28116794 (cited by Athena Diagnostics); PubMed 15351422 (cited by Athena Diagnostics); PubMed 14695533 (cited by Athena Diagnostics).